The following is an entry in ClinVar:

ClinVar aggregate classification (germline): Uncertain significance (1 of 4 stars; one submission).

Allele frequency attached by ClinVar (database versions not stated): gnomAD 0.00001; gnomAD exomes 0.00001; TOPMed 0.00001; ExAC 0.00002; 1000 Genomes Project 0.00020; 1000 Genomes Project 30x 0.00031.
gnomAD v4.1: 12 of 1,612,466 alleles (0.00074%); highest among the groups gnomAD compares: East Asian, 0.0089%; no homozygotes.

Submission:

Labcorp Genetics (formerly Invitae), Labcorp
Classification: Uncertain significance. Last evaluated: 2022-06-04. Review status: criteria provided, single submitter. Criteria: Invitae Variant Classification Sherloc (09022015). Collection method: clinical testing. Allele origin: germline.
Comment: This variant is present in population databases (rs199996175, gnomAD 0.02%). This sequence change replaces serine, which is neutral and polar, with leucine, which is neutral and non-polar, at codon 1870 of the ZDBF2 protein (p.Ser1870Leu). This variant has not been reported in the literature in individuals affected with ZDBF2-related conditions. Algorithms developed to predict the effect of missense changes on protein structure and function output the following: SIFT: "Tolerated"; PolyPhen-2: "Benign"; Align-GVGD: "Class C0". The leucine amino acid residue is found in multiple mammalian species, which suggests that this missense change does not adversely affect protein function. In summary, the available evidence is currently insufficient to determine the role of this variant in disease. Therefore, it has been classified as a Variant of Uncertain Significance.

NM_020923.3(ZDBF2):c.5609C>T (p.Ser1870Leu)

Gene: ZDBF2 (zinc finger DBF-type containing 2; plus strand). Cytogenetic location: 2q33.3.
Variant type: single nucleotide variant.
Coding change: c.5609C>T on transcript NM_020923.3 (MANE Select); coding-DNA position 5609, C replaced by T.
Protein change: p.Ser1870Leu; replaces serine 1870 with leucine.
Molecular consequence: missense variant.
Genome position (GRCh38, 1-based): chr2:206,310,137, C>T. VCF-style: chr2-206310137-C-T. GRCh37 (hg19) VCF-style: chr2-207174861-C-T.
Other names: c.5603C>T, p.Ser1868Leu (NM_001285549.2); c.5609C>T, p.Ser1870Leu (NM_001369654.1); short protein forms S1868L, S1870L.
Identifiers: ClinVar variation 2177004 (VCV002177004.4), dbSNP rs199996175, ClinGen allele CA2072495.